The following is an entry in ClinVar:

NM_031372.4(HNRNPDL):c.823G>A (p.Gly275Arg)

Gene: HNRNPDL (heterogeneous nuclear ribonucleoprotein D like; minus strand). Cytogenetic location: 4q21.22.
Variant type: single nucleotide variant.
Coding change: c.823G>A on transcript NM_031372.4 (MANE Select); coding-DNA position 823, G replaced by A.
Protein change: p.Gly275Arg; replaces glycine 275 with arginine.
Molecular consequence: missense variant. On other transcripts: non-coding transcript variant (1).
Genome position (GRCh38, 1-based): chr4:82,427,516, C>T on the plus strand (G>A on the coding strand, the complement: HNRNPDL is on the minus strand). VCF-style: chr4-82427516-C-T. GRCh37 (hg19) VCF-style: chr4-83348669-C-T.
Other names: c.823G>A, p.Gly275Arg (NM_001207000.1); short protein forms G275R.
Identifiers: ClinVar variation 4805094 (VCV004805094.1).
Genomic context (GRCh38, chr4:82,427,516, plus strand): 5'-ATCTGCTTTCTAACAATTTTTTTACTGGCTCTTCATCAGTATATGTGATAAAACAAAATC[C>T]TCTTCTTTCATTTGTTTTTGTATCCATGGGAAGTTCAATATTTTCAATCTGAAATCGAGA-3'
Protein context (NP_112740.1, residues 265-285): PMDTKTNERR[Gly275Arg]FCFITYTDEE

ClinVar aggregate classification (germline): Uncertain significance (1 of 4 stars; one submission).

Conditions:
Autosomal dominant limb-girdle muscular dystrophy type 1G (LGMDD3). Also called: Limb-girdle muscular dystrophy, type 1G; MUSCULAR DYSTROPHY, LIMB-GIRDLE, AUTOSOMAL DOMINANT 3. Identifiers: Orphanet 55596, MedGen C1836765, MONDO:0012193, OMIM 609115.

Submission:

Labcorp Genetics (formerly Invitae), Labcorp
Classification: Uncertain significance for Autosomal dominant limb-girdle muscular dystrophy type 1G. Last evaluated: 2026-01-11. Review status: criteria provided, single submitter. Criteria: Invitae Variant Classification Sherloc (09022015). Collection method: clinical testing. Allele origin: germline.
Comment: This sequence change replaces glycine, which is neutral and non-polar, with arginine, which is basic and polar, at codon 275 of the HNRNPDL protein (p.Gly275Arg). This variant is present in population databases (no rsID available, gnomAD 0.003%). This variant has not been reported in the literature in individuals affected with HNRNPDL-related conditions. An algorithm developed to predict the effect of missense changes on protein structure and function (PolyPhen-2) suggests that this variant is likely to be disruptive. In summary, the available evidence is currently insufficient to determine the role of this variant in disease. Therefore, it has been classified as a Variant of Uncertain Significance.